The following is an entry in ClinVar:

NM_001023.4(RPS20):c.346A>G (p.Ile116Val)

Gene: RPS20 (ribosomal protein S20; minus strand). Cytogenetic location: 8q12.1.
Variant type: single nucleotide variant.
Coding change: c.346A>G on transcript NM_001023.4 (MANE Select); coding-DNA position 346, A replaced by G.
Protein change: p.Ile116Val; replaces isoleucine 116 with valine.
Molecular consequence: missense variant. On other transcripts: intron variant (1).
Genome position (GRCh38, 1-based): chr8:56,073,104, T>C on the plus strand (A>G on the coding strand, the complement: RPS20 is on the minus strand). VCF-style: chr8-56073104-T-C. GRCh37 (hg19) VCF-style: chr8-56985663-T-C.
Other names: c.333+13A>G (NM_001146227.3); short protein forms I116V.
Identifiers: ClinVar variation 3435314 (VCV003435314.1).

ClinVar aggregate classification (germline): Uncertain significance (1 of 4 stars; one submission).

Submission:

Ambry Genetics
Classification: Uncertain significance. Last evaluated: 2024-07-11. Review status: criteria provided, single submitter. Criteria: Ambry Variant Classification Scheme 2023. Collection method: clinical testing. Allele origin: germline.
Comment: The p.I116V variant (also known as c.346A>G), located in coding exon 4 of the RPS20 gene, results from an A to G substitution at nucleotide position 346. The isoleucine at codon 116 is replaced by valine, an amino acid with highly similar properties. This amino acid position is conserved. In addition, the in silico prediction for this alteration is inconclusive. Based on the available evidence, the clinical significance of this variant remains unclear.